The following is an entry in ClinVar:

ClinVar aggregate classification (germline): Likely pathogenic (1 of 4 stars; one submission).

Conditions:
Cystic fibrosis (CF). Also called: MUCOVISCIDOSIS. Identifiers: Orphanet 586, MedGen C0010674, MONDO:0009061, OMIM 219700. Disease mechanism: loss of function.

Submission:

3billion
Classification: Likely pathogenic for Cystic fibrosis. Last evaluated: 2025-12-03. Review status: criteria provided, single submitter. Criteria: ACMG Guidelines, 2015. Collection method: clinical testing. Allele origin: germline. Affected: yes.
Comment: The variant is not observed in the gnomAD v4.1.0 dataset. Predicted Consequence/Location: Missense variant In silico tool predictions suggest damaging effect of the variant on gene or gene product [REVEL: 0.78 (>=0.6, sensitivity 0.68 and specificity 0.92)]. Different missense changes at the same codon (p.Leu15His, p.Leu15Pro) have been reported as pathogenic/likely pathogenic with strong evidence (ClinVar ID: VCV000634833, VCV001709997 /PMID: 23687349). Therefore, this variant is classified as Likely pathogenic according to the recommendation of ACMG/AMP guideline.

Literature cited by the submitters: PubMed 23687349.

NM_000492.4(CFTR):c.44T>G (p.Leu15Arg)

Gene: CFTR (CF transmembrane conductance regulator; plus strand). Cytogenetic location: 7q31.2.
Variant type: single nucleotide variant.
Coding change: c.44T>G on transcript NM_000492.4 (MANE Select); coding-DNA position 44, T replaced by G.
Protein change: p.Leu15Arg; replaces leucine 15 with arginine.
Molecular consequence: missense variant.
Genome position (GRCh38, 1-based): chr7:117,480,138, T>G. VCF-style: chr7-117480138-T-G. GRCh37 (hg19) VCF-style: chr7-117120192-T-G.
Other names: short protein forms L15R.
Identifiers: ClinVar variation 4854625 (VCV004854625.1).